The following is an entry in ClinVar:

ClinVar aggregate classification (germline): Conflicting classifications of pathogenicity. Review status: criteria provided, conflicting classifications (1 of 4 stars). 3 submissions from 3 submitters: Uncertain significance (1); Likely benign (1). 1 of the submissions does not count toward it. Last evaluated 2026-02-01.

Conditions:
EGF-related disorder. Also called: EGF-related condition.
Renal hypomagnesemia 4. Also called: HYPOMAGNESEMIA, RENAL, NORMOCALCIURIC. Identifiers: Orphanet 34527, MedGen C2673648, MONDO:0012717, OMIM 611718.

Allele frequency attached by ClinVar (database versions not stated): ExAC 0.00011; TOPMed 0.00011; gnomAD 0.00013 and 0.00015; gnomAD exomes 0.00014 and 0.00016; ESP Exome Variant Server 0.00023.
gnomAD v4.1: 256 of 1,613,918 alleles (0.016%); highest among the groups gnomAD compares: Non-Finnish European, 0.019%; no homozygotes.

Submissions (3):

Labcorp Genetics (formerly Invitae), Labcorp
Classification: Likely benign. Last evaluated: 2026-02-01. Review status: criteria provided, single submitter. Criteria: Invitae Variant Classification Sherloc (09022015). Collection method: clinical testing. Allele origin: germline.

Illumina Laboratory Services, Illumina
Classification: Uncertain significance for Renal hypomagnesemia 4. Last evaluated: 2017-04-28. Review status: criteria provided, single submitter. Criteria: ICSL Variant Classification Criteria 13 December 2019. Collection method: clinical testing. Allele origin: germline.

PreventionGenetics, part of Exact Sciences
Classification: Likely benign for EGF-related condition. Last evaluated: 2019-05-28. Review status: no assertion criteria provided. Collection method: clinical testing. Allele origin: germline. Not counted in ClinVar's aggregate classification.
Comment: This variant is classified as likely benign based on ACMG/AMP sequence variant interpretation guidelines (Richards et al. 2015 PMID: 25741868, with internal and published modifications).

NM_001963.6(EGF):c.1404C>T (p.Asp468=)

Gene: EGF (epidermal growth factor; plus strand). Cytogenetic location: 4q25.
Variant type: single nucleotide variant.
Coding change: c.1404C>T on transcript NM_001963.6 (MANE Select); coding-DNA position 1404, C replaced by T.
Protein change: p.Asp468=; no amino-acid change (aspartic acid 468 retained).
Molecular consequence: synonymous variant.
Genome position (GRCh38, 1-based): chr4:109,963,264, C>T. VCF-style: chr4-109963264-C-T. GRCh37 (hg19) VCF-style: chr4-110884420-C-T.
Other names: c.1404C>T, p.Asp468= (NM_001178130.3); c.1278C>T, p.Asp426= (NM_001178131.3, NM_001357021.2); c.1404C>T (NM_001963.5).
Identifiers: ClinVar variation 901701 (VCV000901701.13), dbSNP rs201101453, ClinGen allele CA3043669.
Genomic context (GRCh38, chr4:109,963,264, plus strand): 5'-CCAGCTCTGCGTTCCTCTTAGCCCAGTATCCTGGGAATGTGATTGCTTTCCTGGGTATGA[C>T]CTACAACTGGATGAAAAAAGCTGTGCAGCTTCAGGTTAGTGCTGTGGTTGTCTGGAACTG-3'
Protein context (NP_001954.2, residues 458-478): SWECDCFPGY[Asp468=]LQLDEKSCAA